The following is an entry in ClinVar:

ClinVar aggregate classification (germline): Uncertain significance (1 of 4 stars; one submission).

Conditions:
Inborn genetic diseases. Identifiers: MedGen C0950123, MeSH D030342.

Submission:

Ambry Genetics
Classification: Uncertain significance for Inborn genetic diseases. Last evaluated: 2023-01-11. Review status: criteria provided, single submitter. Criteria: Ambry Variant Classification Scheme 2023. Collection method: clinical testing. Allele origin: germline.
Comment: The p.S581R variant (also known as c.1741A>C), located in coding exon 12 of the EPAS1 gene, results from an A to C substitution at nucleotide position 1741. The serine at codon 581 is replaced by arginine, an amino acid with dissimilar properties. This amino acid position is conserved. In addition, this alteration is predicted to be tolerated by in silico analysis. Since supporting evidence is limited at this time, the clinical significance of this alteration remains unclear.

NM_001430.5(EPAS1):c.1741A>C (p.Ser581Arg)

Gene: EPAS1 (endothelial PAS domain protein 1; plus strand). Cytogenetic location: 2p21.
Variant type: single nucleotide variant.
Coding change: c.1741A>C on transcript NM_001430.5 (MANE Select); coding-DNA position 1741, A replaced by C.
Protein change: p.Ser581Arg; replaces serine 581 with arginine.
Molecular consequence: missense variant.
Genome position (GRCh38, 1-based): chr2:46,380,413, A>C. VCF-style: chr2-46380413-A-C. GRCh37 (hg19) VCF-style: chr2-46607552-A-C.
Other names: short protein forms S581R.
Identifiers: ClinVar variation 2450312 (VCV002450312.2), dbSNP rs762981827, ClinGen allele CA346704781.
Genomic context (GRCh38, chr2:46,380,413, plus strand): 5'-CAGCACTGCTTCAGTGCCATGACAAACATCTTCCAGCCACTGGCCCCTGTAGCCCCGCAC[A>C]GTCCCTTCCTCCTGGACAAGTTTCAGCAGCAGCTGGAGAGCAAGAAGACAGAGCCCGAGC-3'
Protein context (NP_001421.2, residues 571-591): FQPLAPVAPH[Ser581Arg]PFLLDKFQQQ